The following is an entry in ClinVar:

NM_001854.4(COL11A1):c.5120G>A (p.Arg1707Gln)

Genes: COL11A1 (collagen type XI alpha 1 chain; minus strand), LOC126805814 (P300/CBP strongly-dependent group 1 enhancer GRCh37_chr1:103344928-103346127; plus strand). Cytogenetic location: 1p21.1.
Variant type: single nucleotide variant.
Coding change: c.5120G>A on transcript NM_001854.4 (MANE Select); coding-DNA position 5120, G replaced by A.
Protein change: p.Arg1707Gln; replaces arginine 1707 with glutamine.
Molecular consequence: missense variant. On other transcripts: non-coding transcript variant (1).
Genome position (GRCh38, 1-based): chr1:102,879,837, C>T on the plus strand (G>A on the coding strand, the complement: COL11A1 is on the minus strand). VCF-style: chr1-102879837-C-T. GRCh37 (hg19) VCF-style: chr1-103345393-C-T.
Other names: c.5003G>A, p.Arg1668Gln (NM_001190709.2); c.5156G>A, p.Arg1719Gln (NM_080629.3); c.4772G>A, p.Arg1591Gln (NM_080630.4); short protein forms R1591Q, R1668Q, R1707Q, R1719Q.
Identifiers: ClinVar variation 1702542 (VCV001702542.10), dbSNP rs751989395, ClinGen allele CA973298.

ClinVar aggregate classification (germline): Conflicting classifications of pathogenicity. Review status: criteria provided, conflicting classifications (1 of 4 stars). 5 submissions from 5 submitters: Uncertain significance (4); Benign (1). Last evaluated 2026-03-19.

Conditions:
COL11A1-related disorder. Also called: COL11A1-related disorders; COL11A1-related condition.
Inborn genetic diseases. Identifiers: MedGen C0950123, MeSH D030342.

Allele frequency attached by ClinVar (database versions not stated): TOPMed below 0.00001; gnomAD 0.00001; gnomAD exomes 0.00001 and 0.00002; ExAC 0.00002.
gnomAD v4.1: 20 of 1,613,722 alleles (0.0012%); highest among the groups gnomAD compares: Admixed American, 0.005%; no homozygotes.

Submissions (5):

PreventionGenetics, part of Exact Sciences
Classification: Uncertain significance for COL11A1-related condition. Last evaluated: 2026-03-19. Review status: criteria provided, single submitter. Criteria: ACMG Guidelines, 2015. Collection method: clinical testing. Allele origin: germline.
Comment: The COL11A1 c.5120G>A variant is predicted to result in the amino acid substitution p.Arg1707Gln. To our knowledge, this variant has not been reported in the literature. This variant is reported in 0.0097% of alleles in individuals of Ashkenazi Jewish descent in gnomAD. At this time, the clinical significance of this variant is uncertain due to the absence of conclusive functional and genetic evidence.

Ambry Genetics
Classification: Uncertain significance for Inborn genetic diseases. Last evaluated: 2025-10-23. Review status: criteria provided, single submitter. Criteria: Ambry Variant Classification Scheme 2023. Collection method: clinical testing. Allele origin: germline.

Labcorp Genetics (formerly Invitae), Labcorp
Classification: Benign. Last evaluated: 2024-11-27. Review status: criteria provided, single submitter. Criteria: Invitae Variant Classification Sherloc (09022015). Collection method: clinical testing. Allele origin: germline.

Blueprint Genetics
Classification: Uncertain significance. Last evaluated: 2023-03-27. Review status: criteria provided, single submitter. Criteria: ACMG Guidelines, 2015. Collection method: clinical testing. Allele origin: germline.

GeneDx
Classification: Uncertain significance. Last evaluated: 2022-02-17. Review status: criteria provided, single submitter. Criteria: GeneDx Variant Classification Process June 2021. Collection method: clinical testing. Allele origin: germline. Affected: yes.
Comment: Has not been previously published as pathogenic or benign to our knowledge; In silico analysis supports that this missense variant does not alter protein structure/function; Not located in the triple helical region, where the majority of pathogenic missense variants occur (Stenson et al., 2014; Acke et al., 2014)